The following is an entry in ClinVar:

NM_001367561.1(DOCK7):c.2584TCA[2] (p.Ser864del)

Gene: DOCK7 (dedicator of cytokinesis 7; minus strand). Cytogenetic location: 1p31.3.
Variant type: Microsatellite.
Coding change: c.2584TCA[2] on transcript NM_001367561.1 (MANE Select); two copies in a row of the 3-base unit TCA starting at c.2584; the reference has three copies in a row; one copy, 3 bases deleted.
Protein change: p.Ser864del; deletes serine 864.
Molecular consequence: inframe deletion.
Genome position (GRCh38, 1-based): chr1:62,555,829-62,555,831, TGA deleted on the plus strand (TCA on the coding strand, the reverse complement: DOCK7 is on the minus strand); deleting any 3 consecutive bases within chr1:62,555,829-62,555,837 gives the same sequence; the position shown is the placement nearest the transcript's 3' end. VCF-style (leftmost placement, unchanged base first): chr1-62555828-GTGA-G. GRCh37 (hg19) VCF-style: chr1-63021499-GTGA-G.
Other names: c.2584TCA[2], p.Ser864del (NM_001271999.2, NM_001272000.2, NM_001272001.2 and 2 more transcripts); short protein forms S864del.
Identifiers: ClinVar variation 2019312 (VCV002019312.4), dbSNP rs2525073890, ClinGen allele CA2580611162.

ClinVar aggregate classification (germline): Uncertain significance (1 of 4 stars; one submission).

Conditions:
Developmental and epileptic encephalopathy, 23 (DEE23). Also called: Epileptic encephalopathy, early infantile, 23. Identifiers: Orphanet 411986, MedGen C4014492, MONDO:0014371, OMIM 615859.

Submission:

Labcorp Genetics (formerly Invitae), Labcorp
Classification: Uncertain significance for Developmental and epileptic encephalopathy, 23. Last evaluated: 2022-07-23. Review status: criteria provided, single submitter. Criteria: Invitae Variant Classification Sherloc (09022015). Collection method: clinical testing. Allele origin: germline.
Comment: In summary, the available evidence is currently insufficient to determine the role of this variant in disease. Therefore, it has been classified as a Variant of Uncertain Significance. Experimental studies and prediction algorithms are not available or were not evaluated, and the functional significance of this variant is currently unknown. This variant has not been reported in the literature in individuals affected with DOCK7-related conditions. This variant is not present in population databases (gnomAD no frequency). This variant, c.2590_2592del, results in the deletion of 1 amino acid(s) of the DOCK7 protein (p.Ser864del), but otherwise preserves the integrity of the reading frame.